The following is an entry in ClinVar:

NM_005876.5(SPEG):c.6720G>A (p.Leu2240=)

Genes: ASIC4-AS1 (ASIC4 antisense RNA 1; minus strand), SPEG (striated muscle enriched protein kinase; plus strand). Cytogenetic location: 2q35.
Variant type: single nucleotide variant.
Coding change: c.6720G>A on transcript NM_005876.5 (MANE Select); coding-DNA position 6720, G replaced by A.
Protein change: p.Leu2240=; no amino-acid change (leucine 2240 retained).
Molecular consequence: synonymous variant.
Genome position (GRCh38, 1-based): chr2:219,484,183, G>A. VCF-style: chr2-219484183-G-A. GRCh37 (hg19) VCF-style: chr2-220348905-G-A.
Identifiers: ClinVar variation 5041328 (VCV005041328.1).

ClinVar aggregate classification (germline): Likely benign (1 of 4 stars; one submission).

Submission:

CeGaT Center for Human Genetics Tuebingen
Classification: Likely benign. Last evaluated: 2026-09-01. Review status: criteria provided, single submitter. Criteria: CeGaT Center For Human Genetics Tuebingen Variant Classification Criteria Version 2. Collection method: clinical testing. Allele origin: germline. Affected: yes. Observed: 1 variant allele.
Comment: SPEG: PM2:Supporting, BP4, BP7